The following is an entry in ClinVar:

NM_032447.5(FBN3):c.187C>T (p.Arg63Trp)

Gene: FBN3 (fibrillin 3; minus strand). Cytogenetic location: 19p13.2.
Variant type: single nucleotide variant.
Coding change: c.187C>T on transcript NM_032447.5 (MANE Select); coding-DNA position 187, C replaced by T.
Protein change: p.Arg63Trp; replaces arginine 63 with tryptophan.
Molecular consequence: missense variant.
Genome position (GRCh38, 1-based): chr19:8,147,167, G>A on the plus strand (C>T on the coding strand, the complement: FBN3 is on the minus strand). VCF-style: chr19-8147167-G-A. GRCh37 (hg19) VCF-style: chr19-8212051-G-A.
Other names: c.187C>T, p.Arg63Trp (NM_001321431.2); short protein forms R63W.
Identifiers: ClinVar variation 2885967 (VCV002885967.3), dbSNP rs138809486, ClinGen allele CA9153834.
Genomic context (GRCh38, chr19:8,147,167, plus strand): 5'-CGACACACTGGCTCCTGCCAGGGAATGTCCTCCAGCCTGGACAGCAGTAGGCATGGAACC[G>A]GGAGCCGCACACATTCGGCCTTCGGGGACAGCGAGATGGGTCTGGTGAGCCCCTGCCCGT-3'
Protein context (NP_115823.3, residues 53-73): ILQGPNVCGS[Arg63Trp]FHAYCCPGWR

ClinVar aggregate classification (germline): Uncertain significance (1 of 4 stars; one submission).

Allele frequency attached by ClinVar (database versions not stated): gnomAD 0.00002; gnomAD exomes 0.00003; TOPMed 0.00003; ESP Exome Variant Server 0.00008; ExAC 0.00012.
gnomAD v4.1: 44 of 1,570,698 alleles (0.0028%); highest among the groups gnomAD compares: Admixed American, 0.034%; no homozygotes.

Submission:

Labcorp Genetics (formerly Invitae), Labcorp
Classification: Uncertain significance. Last evaluated: 2023-06-09. Review status: criteria provided, single submitter. Criteria: Invitae Variant Classification Sherloc (09022015). Collection method: clinical testing. Allele origin: germline.
Comment: This sequence change replaces arginine, which is basic and polar, with tryptophan, which is neutral and slightly polar, at codon 63 of the FBN3 protein (p.Arg63Trp). This variant is present in population databases (rs138809486, gnomAD 0.06%). In summary, the available evidence is currently insufficient to determine the role of this variant in disease. Therefore, it has been classified as a Variant of Uncertain Significance. An algorithm developed to predict the effect of missense changes on protein structure and function (PolyPhen-2) suggests that this variant is likely to be disruptive. This variant has not been reported in the literature in individuals affected with FBN3-related conditions.